The following is an entry in ClinVar:

NM_181426.2(CCDC39):c.1198G>T (p.Gly400Cys)

Gene: CCDC39 (coiled-coil domain 39 molecular ruler complex subunit; minus strand). Cytogenetic location: 3q26.33.
Variant type: single nucleotide variant.
Coding change: c.1198G>T on transcript NM_181426.2 (MANE Select); coding-DNA position 1198, G replaced by T.
Protein change: p.Gly400Cys; replaces glycine 400 with cysteine.
Molecular consequence: missense variant.
Genome position (GRCh38, 1-based): chr3:180,648,329, C>A on the plus strand (G>T on the coding strand, the complement: CCDC39 is on the minus strand). VCF-style: chr3-180648329-C-A. GRCh37 (hg19) VCF-style: chr3-180366117-C-A.
Other names: short protein forms G400C.
Identifiers: ClinVar variation 344271 (VCV000344271.20), dbSNP rs147383873, ClinGen allele CA2715989.

ClinVar aggregate classification (germline): Conflicting classifications of pathogenicity. Review status: criteria provided, conflicting classifications (1 of 4 stars). 4 submissions from 4 submitters: Uncertain significance (1); Benign (1); Likely benign (2). Last evaluated 2026-01-24.

Conditions:
Primary ciliary dyskinesia. Also called: Ciliary dyskinesia. Identifiers: Orphanet 244, MedGen C0008780, MONDO:0016575, HP:0012265.
Primary ciliary dyskinesia 14. Also called: CILIARY DYSKINESIA, PRIMARY, 14, WITH OR WITHOUT SITUS INVERSUS. Identifiers: Orphanet 244, MedGen C3151136, MONDO:0013434, OMIM 613807.

Allele frequency attached by ClinVar (database versions not stated): 1000 Genomes Project 30x 0.00141; 1000 Genomes Project 0.00160; gnomAD 0.00236 and 0.00265; ESP Exome Variant Server 0.00237; TOPMed 0.00286.
gnomAD v4.1: 998 of 1,589,502 alleles (0.063%); highest among the groups gnomAD compares: African/African-American, 0.78%; 3 homozygotes.

Submissions (4):

Labcorp Genetics (formerly Invitae), Labcorp
Classification: Likely benign for Primary ciliary dyskinesia. Last evaluated: 2026-01-24. Review status: criteria provided, single submitter. Criteria: Invitae Variant Classification Sherloc (09022015). Collection method: clinical testing. Allele origin: germline.

Ambry Genetics
Classification: Benign for Primary ciliary dyskinesia. Last evaluated: 2020-01-07. Review status: criteria provided, single submitter. Criteria: Ambry Variant Classification Scheme 2023. Collection method: clinical testing. Allele origin: germline.

Illumina Laboratory Services, Illumina
Classification: Uncertain significance for Primary ciliary dyskinesia 14. Last evaluated: 2018-01-13. Review status: criteria provided, single submitter. Criteria: ICSL Variant Classification Criteria 13 December 2019. Collection method: clinical testing. Allele origin: germline.

Laboratory for Molecular Medicine, Mass General Brigham Personalized Medicine
Classification: Likely benign. Last evaluated: 2016-06-07. Review status: criteria provided, single submitter. Criteria: LMM Criteria. Collection method: clinical testing. Allele origin: germline. Observed: 1 variant allele.
Comment: p.Gly400Cys in exon 10 of CCDC39: This variant is not expected to have clinical significance because it has been identified in 0.8% (80/9724) of African chromos omes by the Exome Aggregation Consortium (ExAC; dbSNP rs147383873).